The following is an entry in ClinVar:

ClinVar aggregate classification (germline): Likely pathogenic (1 of 4 stars; one submission).

Conditions:
Baller-Gerold syndrome (BGS). Also called: CRANIOSYNOSTOSIS WITH RADIAL DEFECTS. Identifiers: Orphanet 1225, MedGen C0265308, MONDO:0009039, OMIM 218600.

Submission:

Labcorp Genetics (formerly Invitae), Labcorp
Classification: Likely pathogenic for Baller-Gerold syndrome. Last evaluated: 2024-01-15. Review status: criteria provided, single submitter. Criteria: Invitae Variant Classification Sherloc (09022015). Collection method: clinical testing. Allele origin: germline.
Comment: This sequence change affects a donor splice site in intron 6 of the RECQL4 gene. It is expected to disrupt RNA splicing. Variants that disrupt the donor or acceptor splice site typically lead to a loss of protein function (PMID: 16199547), and loss-of-function variants in RECQL4 are known to be pathogenic (PMID: 12734318, 12952869). This variant is not present in population databases (gnomAD no frequency). This variant has not been reported in the literature in individuals affected with RECQL4-related conditions. ClinVar contains an entry for this variant (Variation ID: 1485977). Algorithms developed to predict the effect of sequence changes on RNA splicing suggest that this variant may disrupt the consensus splice site. In summary, the currently available evidence indicates that the variant is pathogenic, but additional data are needed to prove that conclusively. Therefore, this variant has been classified as Likely Pathogenic.

Literature cited by the submitters: PubMed 16199547; PubMed 12734318; PubMed 12952869.

NM_004260.4(RECQL4):c.1258+1G>A

Gene: RECQL4 (RecQ like helicase 4; minus strand). Cytogenetic location: 8q24.3.
Variant type: single nucleotide variant.
Coding change: c.1258+1G>A on transcript NM_004260.4 (MANE Select); the canonical splice donor site of the intron after coding-DNA position 1258, G replaced by A.
Molecular consequence: splice donor variant. On other transcripts: intron variant (1).
Genome position (GRCh38, 1-based): chr8:144,515,763, C>T on the plus strand (G>A on the coding strand, the complement: RECQL4 is on the minus strand). VCF-style: chr8-144515763-C-T. GRCh37 (hg19) VCF-style: chr8-145741147-C-T.
Other names: c.187+1G>A (NM_001413038.1, NM_001413022.1, NM_001413023.1 and 8 more transcripts); c.1258+1G>A (NM_001413019.1, NM_001413039.1, NM_001413033.1 and 2 more transcripts); c.-210+225G>A (NM_001413043.1); c.125+1G>A (NM_001413031.1, NM_001413030.1, NM_001413041.1 and 2 more transcripts); c.1129+1G>A (NM_001413025.1); c.907+1G>A (NM_001413029.1); c.1162+1G>A (NM_001413017.1, NM_001413020.1).
Identifiers: ClinVar variation 1485977 (VCV001485977.6), dbSNP rs2130711906, ClinGen allele CA372687174.
Genomic context (GRCh38, chr8:144,515,763, plus strand): 5'-AAGAGCACTGCGCCCTCTCCACAGTGTTGGCCGGACCCACCCTCCAGGGCAGATGTCTCA[C>T]CTGGCCGGGGACACTGGGCTGCCCAGTGATCGAACTGCTCGTTCAGGAAACAAGACTCCT-3'